The following is an entry in ClinVar:

NM_000243.3(MEFV):c.611G>A (p.Arg204His)

Gene: MEFV (MEFV innate immunity regulator, pyrin; minus strand). Cytogenetic location: 16p13.3.
Variant type: single nucleotide variant.
Coding change: c.611G>A on transcript NM_000243.3 (MANE Select); coding-DNA position 611, G replaced by A.
Protein change: p.Arg204His; replaces arginine 204 with histidine.
Molecular consequence: missense variant. On other transcripts: intron variant (1).
Genome position (GRCh38, 1-based): chr16:3,254,457, C>T on the plus strand (G>A on the coding strand, the complement: MEFV is on the minus strand). VCF-style: chr16-3254457-C-T. GRCh37 (hg19) VCF-style: chr16-3304457-C-T.
Other names: p.Arg204His; c.277+1854G>A (NM_001198536.2); short protein forms R204H.
Identifiers: ClinVar variation 253024 (VCV000253024.14), dbSNP rs775663363, ClinGen allele CA7860378.

ClinVar aggregate classification (germline): Conflicting classifications of pathogenicity. Review status: criteria provided, conflicting classifications (1 of 4 stars). 8 submissions from 6 submitters: Uncertain significance (5); Likely benign (2). 1 of the submissions does not count toward it. Last evaluated 2026-01-02.

Conditions:
Familial Mediterranean fever, autosomal dominant. Also called: Dominant Familial Mediterranean Fever; FMF, AUTOSOMAL DOMINANT. Identifiers: Orphanet 342, MedGen C1851347, MONDO:0007601, OMIM 134610.
Familial Mediterranean fever (FMF). Also called: POLYSEROSITIS, FAMILIAL PAROXYSMAL; POLYSEROSITIS, RECURRENT; Periodic peritonitis; Benign paroxysmal peritonitis. Identifiers: Orphanet 342, MedGen C0031069, MONDO:0018088, OMIM 249100. Disease mechanism: gain of function.
Acute febrile neutrophilic dermatosis (AFND). Also called: Sweet Syndrome; Gomm Button disease. Identifiers: Orphanet 3243, MedGen C0085077, MONDO:0011959, OMIM 608068.

Allele frequency attached by ClinVar (database versions not stated): gnomAD exomes 0.00002; TOPMed below 0.00001; ExAC 0.00002; gnomAD 0.00004.
gnomAD v4.1: 40 of 1,605,932 alleles (0.0025%); highest among the groups gnomAD compares: South Asian, 0.018%; no homozygotes.

Submissions (8):

Labcorp Genetics (formerly Invitae), Labcorp
Classification: Uncertain significance for Familial Mediterranean fever. Last evaluated: 2026-01-02. Review status: criteria provided, single submitter. Criteria: Invitae Variant Classification Sherloc (09022015). Collection method: clinical testing. Allele origin: germline.
Comment: This sequence change replaces arginine, which is basic and polar, with histidine, which is basic and polar, at codon 204 of the MEFV protein (p.Arg204His). The frequency data for this variant in the population databases is considered unreliable, as metrics indicate poor data quality at this position in the gnomAD database. This missense change has been observed in individual(s) with familial Mediterranean fever (PMID: 28943464). ClinVar contains an entry for this variant (Variation ID: 253024). An algorithm developed to predict the effect of missense changes on protein structure and function (PolyPhen-2) suggests that this variant is likely to be disruptive. In summary, the available evidence is currently insufficient to determine the role of this variant in disease. Therefore, it has been classified as a Variant of Uncertain Significance.

Genome-Nilou Lab
Classification: Uncertain significance for Familial Mediterranean fever. Last evaluated: 2023-02-08. Review status: criteria provided, single submitter. Criteria: ACMG Guidelines, 2015. Collection method: clinical testing. Allele origin: germline.

Genome-Nilou Lab
Classification: Likely benign for Familial Mediterranean fever, autosomal dominant. Last evaluated: 2023-02-08. Review status: criteria provided, single submitter. Criteria: ACMG Guidelines, 2015. Collection method: clinical testing. Allele origin: germline.

Genome-Nilou Lab
Classification: Likely benign for Acute febrile neutrophilic dermatosis. Last evaluated: 2023-02-08. Review status: criteria provided, single submitter. Criteria: ACMG Guidelines, 2015. Collection method: clinical testing. Allele origin: germline.

Mayo Clinic Laboratories, Mayo Clinic
Classification: Uncertain significance. Last evaluated: 2022-05-25. Review status: criteria provided, single submitter. Criteria: ACMG Guidelines, 2015. Collection method: clinical testing. Allele origin: germline. Observed: 1 variant allele.

Women's Health and Genetics/Laboratory Corporation of America, LabCorp
Classification: Uncertain significance. Last evaluated: 2021-12-01. Review status: criteria provided, single submitter. Criteria: LabCorp Variant Classification Summary - May 2015. Collection method: clinical testing. Allele origin: germline.
Comment: Variant summary: MEFV c.611G>A (p.Arg204His) results in a non-conservative amino acid change in the encoded protein sequence. Three of five in-silico tools predict a benign effect of the variant on protein function. The variant allele was found at a frequency of 1.7e-05 in 233862 control chromosomes (gnomAD). The available data on variant occurrences in the general population are insufficient to allow any conclusion about variant significance. c.611G>A has been reported in the literature in individuals affected with Familial Mediterranean Fever (example: Ebadi_2017, Turkucar_2021). These reports do not provide unequivocal conclusions about association of the variant with Familial Mediterranean Fever. To our knowledge, no experimental evidence demonstrating an impact on protein function has been reported. Two clinical diagnostic laboratories have submitted clinical-significance assessments for this variant to ClinVar after 2014 and classified the variant as uncertain significance. Based on the evidence outlined above, the variant was classified as uncertain significance.

Department of Medical Genetics, School of Medicine, Tehran University of Medical Sciences
Classification: Uncertain significance for Familial Mediterranean fever. Last evaluated: 2016-02-03. Review status: criteria provided, single submitter. Criteria: tel Hashomer criteria. Collection method: research. Allele origin: unknown. Inheritance: Autosomal recessive inheritance. Affected: yes. Observed: 1 variant allele, 1 heterozygote. Study: The spectrum of MEFV gene mutations in Iran.

Natera, Inc.
Classification: Uncertain significance for Familial Mediterranean fever. Last evaluated: 2020-11-11. Review status: no assertion criteria provided. Collection method: clinical testing. Allele origin: germline. Not counted in ClinVar's aggregate classification.

Literature cited by the submitters: PubMed 28943464 (cited by Labcorp Genetics (formerly Invitae), Labcorp and Women's Health and Genetics/Laboratory Corporation of America, LabCorp); PubMed 33813620 (cited by Women's Health and Genetics/Laboratory Corporation of America, LabCorp).